The following is an entry in ClinVar:

NM_001365951.3(KIF1B):c.5C>T (p.Ser2Leu)

Genes: KIF1B (kinesin family member 1B; plus strand), LOC129388446 (MPRA-validated peak64 silencer; plus strand). Cytogenetic location: 1p36.22.
Variant type: single nucleotide variant.
Coding change: c.5C>T on transcript NM_001365951.3 (MANE Select); coding-DNA position 5, C replaced by T.
Protein change: p.Ser2Leu; replaces serine 2 with leucine.
Molecular consequence: missense variant.
Genome position (GRCh38, 1-based): chr1:10,232,333, C>T. VCF-style: chr1-10232333-C-T. GRCh37 (hg19) VCF-style: chr1-10292391-C-T.
Other names: c.5C>T, p.Ser2Leu (NM_001365953.1, NM_015074.3, NM_183416.4 and 1 more transcripts); short protein forms S2L.
Identifiers: ClinVar variation 1444802 (VCV001444802.10), dbSNP rs1272900057, ClinGen allele CA338315465.

ClinVar aggregate classification (germline): Uncertain significance. Review status: criteria provided, multiple submitters, no conflicts (2 of 4 stars). 3 submissions from 3 submitters: Uncertain significance (3). Last evaluated 2025-04-19.

Conditions:
Charcot-Marie-Tooth disease type 2. Also called: Charcot-Marie-Tooth type 2. Identifiers: Orphanet 64746, MedGen C0270914, MONDO:0018993.
KIF1B-related disorder. Also called: KIF1B-related condition.

Allele frequency attached by ClinVar (database versions not stated): gnomAD 0.00001; gnomAD exomes 0.00001; TOPMed 0.00002.
gnomAD v4.1: 20 of 1,609,574 alleles (0.0012%); highest among the groups gnomAD compares: East Asian, 0.0089%; no homozygotes.

Submissions (3):

Ambry Genetics
Classification: Uncertain significance. Last evaluated: 2025-04-19. Review status: criteria provided, single submitter. Criteria: Ambry Variant Classification Scheme 2023. Collection method: clinical testing. Allele origin: germline.
Comment: The p.S2L variant (also known as c.5C>T), located in coding exon 1 of the KIF1B gene, results from a C to T substitution at nucleotide position 5. The serine at codon 2 is replaced by leucine, an amino acid with dissimilar properties. This alteration was identified in an individual with a clinical suspicion of Charcot Marie Tooth (Yalcintepe S et al. Turk Neurosurg, 2021;31:888-895). This amino acid position is highly conserved in available vertebrate species. In addition, the in silico prediction for this alteration is inconclusive. Since supporting evidence is limited at this time, the clinical significance of this alteration remains unclear.

Labcorp Genetics (formerly Invitae), Labcorp
Classification: Uncertain significance for Charcot-Marie-Tooth disease type 2. Last evaluated: 2023-12-06. Review status: criteria provided, single submitter. Criteria: Invitae Variant Classification Sherloc (09022015). Collection method: clinical testing. Allele origin: germline.
Comment: This sequence change replaces serine, which is neutral and polar, with leucine, which is neutral and non-polar, at codon 2 of the KIF1B protein (p.Ser2Leu). This variant is present in population databases (no rsID available, gnomAD 0.006%). This missense change has been observed in individual(s) with clinical features of Charcot-Marie-Tooth disease (PMID: 34169998). ClinVar contains an entry for this variant (Variation ID: 1444802). An algorithm developed to predict the effect of missense changes on protein structure and function (PolyPhen-2) suggests that this variant is likely to be disruptive. In summary, the available evidence is currently insufficient to determine the role of this variant in disease. Therefore, it has been classified as a Variant of Uncertain Significance.

PreventionGenetics, part of Exact Sciences
Classification: Uncertain significance for KIF1B-related condition. Last evaluated: 2023-08-18. Review status: criteria provided, single submitter. Criteria: ACMG Guidelines, 2015. Collection method: clinical testing. Allele origin: germline.
Comment: The KIF1B c.5C>T variant is predicted to result in the amino acid substitution p.Ser2Leu. This variant was reported in an individual with clinical symptoms of Charcot-Marie-Tooth disease (in Table III in Yalcintepe et al 2021. PubMed ID: 34169998). This variant is reported in 0.0058% of alleles in individuals of Latino descent in gnomAD. At this time, the clinical significance of this variant is uncertain due to the absence of conclusive functional and genetic evidence.

Literature cited by the submitters: PubMed 34169998 (cited by Ambry Genetics and Labcorp Genetics (formerly Invitae), Labcorp).